The following is an entry in ClinVar:

ClinVar aggregate classification (germline): Uncertain significance (1 of 4 stars; one submission).

Allele frequency attached by ClinVar (database versions not stated): gnomAD exomes 0.00001.
gnomAD v4.1: 15 of 1,614,032 alleles (0.00093%); highest among the groups gnomAD compares: South Asian, 0.0011%; no homozygotes.

Submission:

Labcorp Genetics (formerly Invitae), Labcorp
Classification: Uncertain significance. Last evaluated: 2023-11-27. Review status: criteria provided, single submitter. Criteria: Invitae Variant Classification Sherloc (09022015). Collection method: clinical testing. Allele origin: germline.
Comment: This sequence change replaces arginine, which is basic and polar, with tryptophan, which is neutral and slightly polar, at codon 198 of the DARS2 protein (p.Arg198Trp). This variant is present in population databases (no rsID available, gnomAD 0.009%). This variant has not been reported in the literature in individuals affected with DARS2-related conditions. ClinVar contains an entry for this variant (Variation ID: 1450392). Advanced modeling of protein sequence and biophysical properties (such as structural, functional, and spatial information, amino acid conservation, physicochemical variation, residue mobility, and thermodynamic stability) performed at Invitae indicates that this missense variant is expected to disrupt DARS2 protein function with a positive predictive value of 80%. In summary, the available evidence is currently insufficient to determine the role of this variant in disease. Therefore, it has been classified as a Variant of Uncertain Significance.

NM_018122.5(DARS2):c.592C>T (p.Arg198Trp)

Gene: DARS2 (aspartyl-tRNA synthetase 2, mitochondrial; plus strand). Cytogenetic location: 1q25.1.
Variant type: single nucleotide variant.
Coding change: c.592C>T on transcript NM_018122.5 (MANE Select); coding-DNA position 592, C replaced by T.
Protein change: p.Arg198Trp; replaces arginine 198 with tryptophan.
Molecular consequence: missense variant.
Genome position (GRCh38, 1-based): chr1:173,833,475, C>T. VCF-style: chr1-173833475-C-T. GRCh37 (hg19) VCF-style: chr1-173802613-C-T.
Other names: c.592C>T, p.Arg198Trp (NM_001365212.1, NM_001365213.2); short protein forms R198W.
Identifiers: ClinVar variation 1450392 (VCV001450392.6), dbSNP rs1217906974, ClinGen allele CA343760146.